The following is an entry in ClinVar:

ClinVar aggregate classification (germline): Conflicting classifications of pathogenicity. Review status: criteria provided, conflicting classifications (1 of 4 stars). 4 submissions from 4 submitters: Uncertain significance (1); Benign (2). 1 of the submissions does not count toward it. Last evaluated 2026-01-19.

Conditions:
ZHX3-related disorder. Also called: ZHX3-related condition.

Allele frequency attached by ClinVar (database versions not stated): gnomAD exomes 0.00022 and 0.00054; ExAC 0.00060; 1000 Genomes Project 0.00080; 1000 Genomes Project 30x 0.00094; ESP Exome Variant Server 0.00231; gnomAD 0.00246 and 0.00270; TOPMed 0.00272.
gnomAD v4.1: 711 of 1,614,118 alleles (0.044%); highest among the groups gnomAD compares: African/African-American, 0.86%; no homozygotes.

Submissions (4):

Labcorp Genetics (formerly Invitae), Labcorp
Classification: Benign. Last evaluated: 2026-01-19. Review status: criteria provided, single submitter. Criteria: Invitae Variant Classification Sherloc (09022015). Collection method: clinical testing. Allele origin: germline.

New York Genome Center
Classification: Uncertain significance. Last evaluated: 2022-09-05. Review status: criteria provided, single submitter. Criteria: NYGC Assertion Criteria 2020. Collection method: clinical testing. Allele origin: germline. Observed: 1 heterozygote.

Breakthrough Genomics
Classification: Benign. Review status: criteria provided, single submitter. Criteria: ACMG Guidelines, 2015. Collection method: not provided. Allele origin: germline. Inheritance: Unknown mechanism. Affected: yes.

PreventionGenetics, part of Exact Sciences
Classification: Likely benign for ZHX3-related condition. Last evaluated: 2021-07-28. Review status: no assertion criteria provided. Collection method: clinical testing. Allele origin: germline. Not counted in ClinVar's aggregate classification.
Comment: This variant is classified as likely benign based on ACMG/AMP sequence variant interpretation guidelines (Richards et al. 2015 PMID: 25741868, with internal and published modifications).

NM_001384317.1(ZHX3):c.2249A>T (p.Asp750Val)

Gene: ZHX3 (zinc fingers and homeoboxes 3; minus strand). Cytogenetic location: 20q12.
Variant type: single nucleotide variant.
Coding change: c.2249A>T on transcript NM_001384317.1 (MANE Select); coding-DNA position 2249, A replaced by T.
Protein change: p.Asp750Val; replaces aspartic acid 750 with valine.
Molecular consequence: missense variant.
Genome position (GRCh38, 1-based): chr20:41,202,668, T>A on the plus strand (A>T on the coding strand, the complement: ZHX3 is on the minus strand). VCF-style: chr20-41202668-T-A. GRCh37 (hg19) VCF-style: chr20-39831308-T-A.
Other names: c.2249A>T, p.Asp750Val (NM_001384315.1, NM_001384316.1, NM_001384318.1 and 8 more transcripts); c.2249A>T (NM_015035.3); short protein forms D750V.
Identifiers: ClinVar variation 1653392 (VCV001653392.13), dbSNP rs147861291, ClinGen allele CA9859816.